The following is an entry in ClinVar:

ClinVar aggregate classification (germline): Conflicting classifications of pathogenicity. Review status: criteria provided, conflicting classifications (1 of 4 stars). 3 submissions from 3 submitters: Uncertain significance (2); Likely benign (1). Last evaluated 2025-01-06.

Conditions:
Inborn genetic diseases. Identifiers: MedGen C0950123, MeSH D030342.
Familial hemiplegic migraine. Identifiers: MedGen C0338484, MONDO:0000700.

Allele frequency attached by ClinVar (database versions not stated): gnomAD 0.00002; TOPMed 0.00002; ExAC 0.00004; gnomAD exomes 0.00004 and 0.00008.

Submissions (3):

Labcorp Genetics (formerly Invitae), Labcorp
Classification: Uncertain significance for Familial hemiplegic migraine. Last evaluated: 2025-01-06. Review status: criteria provided, single submitter. Criteria: Invitae Variant Classification Sherloc (09022015). Collection method: clinical testing. Allele origin: germline.
Comment: This sequence change replaces serine, which is neutral and polar, with asparagine, which is neutral and polar, at codon 499 of the ATP1A2 protein (p.Ser499Asn). This variant is present in population databases (rs767230468, gnomAD 0.008%). This variant has not been reported in the literature in individuals affected with ATP1A2-related conditions. ClinVar contains an entry for this variant (Variation ID: 1186181). Invitae Evidence Modeling of protein sequence and biophysical properties (such as structural, functional, and spatial information, amino acid conservation, physicochemical variation, residue mobility, and thermodynamic stability) indicates that this missense variant is not expected to disrupt ATP1A2 protein function with a negative predictive value of 80%. In summary, the available evidence is currently insufficient to determine the role of this variant in disease. Therefore, it has been classified as a Variant of Uncertain Significance.

Ambry Genetics
Classification: Uncertain significance for Inborn genetic diseases. Last evaluated: 2023-08-31. Review status: criteria provided, single submitter. Criteria: Ambry Variant Classification Scheme 2023. Collection method: clinical testing. Allele origin: germline.

GeneDx
Classification: Likely benign. Last evaluated: 2020-04-06. Review status: criteria provided, single submitter. Criteria: GeneDx Variant Classification Process June 2021. Collection method: clinical testing. Allele origin: germline. Affected: yes.

NM_000702.4(ATP1A2):c.1496G>A (p.Ser499Asn)

Gene: ATP1A2 (ATPase Na+/K+ transporting subunit alpha 2; plus strand). Cytogenetic location: 1q23.2.
Variant type: single nucleotide variant.
Coding change: c.1496G>A on transcript NM_000702.4 (MANE Select); coding-DNA position 1496, G replaced by A.
Protein change: p.Ser499Asn; replaces serine 499 with asparagine.
Molecular consequence: missense variant.
Genome position (GRCh38, 1-based): chr1:160,130,136, G>A. VCF-style: chr1-160130136-G-A. GRCh37 (hg19) VCF-style: chr1-160099926-G-A.
Other names: short protein forms S499N.
Identifiers: ClinVar variation 1186181 (VCV001186181.10), dbSNP rs767230468, ClinGen allele CA1194509.
Genomic context (GRCh38, chr1:160,130,136, plus strand): 5'-TCTGTAACTACCTGTTGTCTCTCCAGCTGTCTATCCACGAGCGAGAAGACAGCCCCCAGA[G>A]CCACGTGCTGGTGATGAAGGGGGCCCCAGAGCGCATTCTGGACCGGTGCTCCACCATCCT-3'
Protein context (NP_000693.1, residues 489-509): SIHEREDSPQ[Ser499Asn]HVLVMKGAPE